The following is an entry in ClinVar:

NM_000843.4(GRM6):c.1885A>G (p.Thr629Ala)

Genes: GRM6 (glutamate metabotropic receptor 6; minus strand), ZNF454 (zinc finger protein 454; plus strand). Cytogenetic location: 5q35.3.
Variant type: single nucleotide variant.
Coding change: c.1885A>G on transcript NM_000843.4 (MANE Select); coding-DNA position 1885, A replaced by G.
Protein change: p.Thr629Ala; replaces threonine 629 with alanine.
Molecular consequence: missense variant.
Genome position (GRCh38, 1-based): chr5:178,986,369, T>C on the plus strand (A>G on the coding strand, the complement: GRM6 is on the minus strand). VCF-style: chr5-178986369-T-C. GRCh37 (hg19) VCF-style: chr5-178413370-T-C.
Other names: short protein forms T629A.
Identifiers: ClinVar variation 1047728 (VCV001047728.8), dbSNP rs1760547558, ClinGen allele CA362426258.

ClinVar aggregate classification (germline): Uncertain significance (1 of 4 stars; one submission).

Allele frequency attached by ClinVar (database versions not stated): gnomAD exomes below 0.00001; gnomAD 0.00001.
gnomAD v4.1: 2 of 1,613,804 alleles (0.00012%); highest among the groups gnomAD compares: South Asian, 0.0011%; no homozygotes.

Submission:

Labcorp Genetics (formerly Invitae), Labcorp
Classification: Uncertain significance. Last evaluated: 2022-02-11. Review status: criteria provided, single submitter. Criteria: Invitae Variant Classification Sherloc (09022015). Collection method: clinical testing. Allele origin: germline.
Comment: Advanced modeling of protein sequence and biophysical properties (such as structural, functional, and spatial information, amino acid conservation, physicochemical variation, residue mobility, and thermodynamic stability) performed at Invitae indicates that this missense variant is not expected to disrupt GRM6 protein function. In summary, the available evidence is currently insufficient to determine the role of this variant in disease. Therefore, it has been classified as a Variant of Uncertain Significance. ClinVar contains an entry for this variant (Variation ID: 1047728). This sequence change replaces threonine, which is neutral and polar, with alanine, which is neutral and non-polar, at codon 629 of the GRM6 protein (p.Thr629Ala). This variant is not present in population databases (gnomAD no frequency). This variant has not been reported in the literature in individuals affected with GRM6-related conditions.